The following is an entry in ClinVar:

ClinVar aggregate classification (germline): Uncertain significance. Review status: criteria provided, multiple submitters, no conflicts (2 of 4 stars). 2 submissions from 2 submitters: Uncertain significance (2). Last evaluated 2025-04-10.

Conditions:
Neutropenia, severe congenital, 2, autosomal dominant. Identifiers: Orphanet 486, MedGen C2751288, MONDO:0013139, OMIM 613107.

Allele frequency attached by ClinVar (database versions not stated): gnomAD exomes below 0.00001 and 0.00001; TOPMed below 0.00001; gnomAD 0.00001.
gnomAD v4.1: 7 of 1,578,768 alleles (0.00044%); highest among the groups gnomAD compares: Admixed American, 0.0052%; no homozygotes.

Submissions (2):

Labcorp Genetics (formerly Invitae), Labcorp
Classification: Uncertain significance for Neutropenia, severe congenital, 2, autosomal dominant. Last evaluated: 2025-04-10. Review status: criteria provided, single submitter. Criteria: Invitae Variant Classification Sherloc (09022015). Collection method: clinical testing. Allele origin: germline.
Comment: This sequence change replaces glycine, which is neutral and non-polar, with serine, which is neutral and polar, at codon 253 of the GFI1 protein (p.Gly253Ser). This variant is present in population databases (rs772484731, gnomAD 0.003%). This variant has not been reported in the literature in individuals affected with GFI1-related conditions. ClinVar contains an entry for this variant (Variation ID: 1461345). Invitae Evidence Modeling of protein sequence and biophysical properties (such as structural, functional, and spatial information, amino acid conservation, physicochemical variation, residue mobility, and thermodynamic stability) indicates that this missense variant is not expected to disrupt GFI1 protein function with a negative predictive value of 80%. In summary, the available evidence is currently insufficient to determine the role of this variant in disease. Therefore, it has been classified as a Variant of Uncertain Significance.

Ambry Genetics
Classification: Uncertain significance. Last evaluated: 2024-11-30. Review status: criteria provided, single submitter. Criteria: Ambry Variant Classification Scheme 2023. Collection method: clinical testing. Allele origin: germline.
Comment: The p.G253S variant (also known as c.757G>A), located in coding exon 3 of the GFI1 gene, results from a G to A substitution at nucleotide position 757. The glycine at codon 253 is replaced by serine, an amino acid with similar properties. This amino acid position is conserved. In addition, this alteration is predicted to be tolerated by in silico analysis. Based on the available evidence, the clinical significance of this variant remains unclear.

NM_005263.5(GFI1):c.757G>A (p.Gly253Ser)

Gene: GFI1 (growth factor independent 1 transcriptional repressor; minus strand). Cytogenetic location: 1p22.1.
Variant type: single nucleotide variant.
Coding change: c.757G>A on transcript NM_005263.5 (MANE Select); coding-DNA position 757, G replaced by A.
Protein change: p.Gly253Ser; replaces glycine 253 with serine.
Molecular consequence: missense variant.
Genome position (GRCh38, 1-based): chr1:92,480,630, C>T on the plus strand (G>A on the coding strand, the complement: GFI1 is on the minus strand). VCF-style: chr1-92480630-C-T. GRCh37 (hg19) VCF-style: chr1-92946187-C-T.
Other names: c.757G>A, p.Gly253Ser (NM_001127215.3, NM_001127216.3); c.757G>A (NM_005263.3); short protein forms G253S.
Identifiers: ClinVar variation 1461345 (VCV001461345.7), dbSNP rs772484731, ClinGen allele CA951323.